The following is an entry in ClinVar:

ClinVar aggregate classification (germline): Pathogenic (1 of 4 stars; one submission).

Submission:

Quest Diagnostics Nichols Institute San Juan Capistrano
Classification: Pathogenic. Last evaluated: 2023-06-29. Review status: criteria provided, single submitter. Criteria: ACMG/ClinGen CNV Guidelines, 2019. Collection method: clinical testing. Allele origin: unknown.
Comment: This 7q11.23 deletion involves multiple genes including ELN (OMIM 130160), the critical gene of the recurrent 7q11.23 Williams-Beuren contiguous gene deletion syndrome (WBS; OMIM 194050, Morris CA. Gene Reviews (2017) PMID: 20301427 Osborne et al, Nat Genet. 2001;29(3);321-5. PMID: 11685205). Haploinsufficiency of ELN gene has been associated with autosomal dominant Cutis laxa (OMIM 123700) and Supravalvar aortic stenosis (OMIM 185500) and also contributes to the vascular and connective tissue abnormalities observed in the Williams-Beuren syndrome (WBS). See GeneReviews for additional information and references.

GRCh37/hg19 7q11.23(chr7:73142034-73690195)x1

Genes: CLDN3 (claudin 3; minus strand), ABHD11-AS1 (ABHD11 antisense RNA 1 (tail to tail); plus strand), ABHD11 (abhydrolase domain containing 11; minus strand), CLDN4 (claudin 4; plus strand), EIF4H (eukaryotic translation initiation factor 4H; plus strand) and 7 more. Cytogenetic location: 7q11.23.
Variant type: copy number loss.
Change: copy number 1 (one copy instead of two) of chr7:73,142,034-73,690,195 (548.2 kb, GRCh37 coordinates, 1-based), cytogenetic band 7q11.23.
Identifiers: ClinVar variation 2685248 (VCV002685248.1).